The following is an entry in ClinVar:

NM_015272.5(RPGRIP1L):c.3220+5C>A

Gene: RPGRIP1L (RPGRIP1 like; minus strand). Cytogenetic location: 16q12.2.
Variant type: single nucleotide variant.
Coding change: c.3220+5C>A on transcript NM_015272.5 (MANE Select); 5 bases into the intron after coding-DNA position 3220, C replaced by A.
Molecular consequence: intron variant.
Genome position (GRCh38, 1-based): chr16:53,637,690, G>T on the plus strand (C>A on the coding strand, the complement: RPGRIP1L is on the minus strand). VCF-style: chr16-53637690-G-T. GRCh37 (hg19) VCF-style: chr16-53671602-G-T.
Other names: c.3118+5C>A (NM_001127897.4, NM_001330538.2); c.3220+5C>A (NM_001308334.3).
Identifiers: ClinVar variation 1926646 (VCV001926646.5), dbSNP rs1240095404, ClinGen allele CA2575994487.

ClinVar aggregate classification (germline): Uncertain significance (1 of 4 stars; one submission).

Conditions:
Joubert syndrome. Also called: CEREBELLOPARENCHYMAL DISORDER IV; JOUBERT-BOLTSHAUSER SYNDROME; Familial aplasia of the vermis. Identifiers: Orphanet 475, MedGen C5979921, MONDO:0018772.
Meckel-Gruber syndrome. Also called: DYSENCEPHALIA SPLANCHNOCYSTICA; GRUBER SYNDROME; Dysencephalia splachnocystica. Identifiers: Orphanet 564, MedGen C0265215, MONDO:0018921.

gnomAD v4.1: 2 of 1,606,342 alleles (0.00012%); highest among the groups gnomAD compares: Non-Finnish European, 0.00017%; no homozygotes.

Submission:

Labcorp Genetics (formerly Invitae), Labcorp
Classification: Uncertain significance for Joubert syndrome; Meckel-Gruber syndrome. Last evaluated: 2025-07-30. Review status: criteria provided, single submitter. Criteria: Invitae Variant Classification Sherloc (09022015). Collection method: clinical testing. Allele origin: germline.
Comment: This sequence change falls in intron 21 of the RPGRIP1L gene. It does not directly change the encoded amino acid sequence of the RPGRIP1L protein. It affects a nucleotide within the consensus splice site. This variant is not present in population databases (gnomAD no frequency). This variant has not been reported in the literature in individuals affected with RPGRIP1L-related conditions. ClinVar contains an entry for this variant (Variation ID: 1926646). Variants that disrupt the consensus splice site are a relatively common cause of aberrant splicing (PMID: 17576681, 9536098). Algorithms developed to predict the effect of sequence changes on RNA splicing suggest that this variant is not likely to affect RNA splicing. In summary, the available evidence is currently insufficient to determine the role of this variant in disease. Therefore, it has been classified as a Variant of Uncertain Significance.

Literature cited by the submitters: PubMed 17576681; PubMed 9536098.